The following is an entry in ClinVar:

NM_001283009.2(RTEL1):c.3320C>T (p.Pro1107Leu)

Genes: RTEL1 (regulator of telomere elongation helicase 1; plus strand), RTEL1-TNFRSF6B (RTEL1-TNFRSF6B readthrough (NMD candidate); plus strand). Cytogenetic location: 20q13.33.
Variant type: single nucleotide variant.
Coding change: c.3320C>T on transcript NM_001283009.2 (MANE Select); coding-DNA position 3320, C replaced by T.
Protein change: p.Pro1107Leu; replaces proline 1107 with leucine.
Molecular consequence: missense variant. On other transcripts: non-coding transcript variant (1).
Genome position (GRCh38, 1-based): chr20:63,694,951, C>T. VCF-style: chr20-63694951-C-T. GRCh37 (hg19) VCF-style: chr20-62326304-C-T.
Other names: c.2651C>T, p.Pro884Leu (NM_001283010.1); c.3320C>T, p.Pro1107Leu (NM_016434.4); c.3392C>T, p.Pro1131Leu (NM_032957.5); short protein forms P1107L, P1131L, P884L.
Identifiers: ClinVar variation 2079799 (VCV002079799.2), dbSNP rs115264605, ClinGen allele CA317528645.

ClinVar aggregate classification (germline): Uncertain significance (1 of 4 stars; one submission).

Conditions:
Pulmonary fibrosis and/or bone marrow failure, Telomere-related, 3. Also called: PULMONARY FIBROSIS AND/OR BONE MARROW FAILURE SYNDROME, TELOMERE-RELATED, 3. Identifiers: Orphanet 2032, MedGen C4225346, MONDO:0014613, OMIM 616373.
Dyskeratosis congenita, autosomal recessive 5 (DKCB5). Identifiers: MedGen C3554656, MONDO:0014076, OMIM 615190.

gnomAD v4.1: 20 of 1,612,420 alleles (0.0012%); highest among the groups gnomAD compares: Non-Finnish European, 0.0017%; no homozygotes.

Submission:

Labcorp Genetics (formerly Invitae), Labcorp
Classification: Uncertain significance for Dyskeratosis congenita, autosomal recessive 5; Pulmonary fibrosis and/or bone marrow failure, Telomere-related, 3. Last evaluated: 2025-07-03. Review status: criteria provided, single submitter. Criteria: Invitae Variant Classification Sherloc (09022015). Collection method: clinical testing. Allele origin: germline.
Comment: This sequence change replaces proline, which is neutral and non-polar, with leucine, which is neutral and non-polar, at codon 1107 of the RTEL1 protein (p.Pro1107Leu). This variant is present in population databases (no rsID available, gnomAD 0.002%). This variant has not been reported in the literature in individuals affected with RTEL1-related conditions. ClinVar contains an entry for this variant (Variation ID: 2079799). An algorithm developed to predict the effect of missense changes on protein structure and function (PolyPhen-2) suggests that this variant is likely to be disruptive. In summary, the available evidence is currently insufficient to determine the role of this variant in disease. Therefore, it has been classified as a Variant of Uncertain Significance.